The following is an entry in ClinVar:

ClinVar aggregate classification (germline): Uncertain significance (1 of 4 stars; one submission).

Conditions:
Fanconi anemia (FA). Also called: Fanconi's anemia. Identifiers: Orphanet 84, MedGen C0015625, MeSH D005199, MONDO:0019391.

Submission:

Labcorp Genetics (formerly Invitae), Labcorp
Classification: Uncertain significance for Fanconi anemia. Last evaluated: 2025-09-29. Review status: criteria provided, single submitter. Criteria: Invitae Variant Classification Sherloc (09022015). Collection method: clinical testing. Allele origin: germline.
Comment: This sequence change replaces glycine, which is neutral and non-polar, with glutamic acid, which is acidic and polar, at codon 79 of the FANCF protein (p.Gly79Glu). This variant is present in population databases (rs779014606, gnomAD 0.0009%). This variant has not been reported in the literature in individuals affected with FANCF-related conditions. Invitae Evidence Modeling of protein sequence and biophysical properties (such as structural, functional, and spatial information, amino acid conservation, physicochemical variation, residue mobility, and thermodynamic stability) indicates that this missense variant is not expected to disrupt FANCF protein function with a negative predictive value of 80%. In summary, the available evidence is currently insufficient to determine the role of this variant in disease. Therefore, it has been classified as a Variant of Uncertain Significance.

NM_022725.4(FANCF):c.236G>A (p.Gly79Glu)

Gene: FANCF (FA complementation group F; minus strand). Cytogenetic location: 11p14.3.
Variant type: single nucleotide variant.
Coding change: c.236G>A on transcript NM_022725.4 (MANE Select); coding-DNA position 236, G replaced by A.
Protein change: p.Gly79Glu; replaces glycine 79 with glutamic acid.
Molecular consequence: missense variant.
Genome position (GRCh38, 1-based): chr11:22,625,575, C>T on the plus strand (G>A on the coding strand, the complement: FANCF is on the minus strand). VCF-style: chr11-22625575-C-T. GRCh37 (hg19) VCF-style: chr11-22647121-C-T.
Other names: short protein forms G79E.
Identifiers: ClinVar variation 4751241 (VCV004751241.1).